The following is an entry in ClinVar:

ClinVar aggregate classification (germline): Likely benign. Review status: criteria provided, single submitter (1 of 4 stars). 2 submissions from 2 submitters: Likely benign (1). 1 of the submissions does not count toward it. Last evaluated 2025-01-05.

Conditions:
ANXA11-related disorder. Also called: ANXA11-related condition.

Allele frequency attached by ClinVar (database versions not stated): gnomAD 0.00001; gnomAD exomes 0.00001; TOPMed 0.00002.
gnomAD v4.1: 16 of 1,524,750 alleles (0.001%); highest among the groups gnomAD compares: Non-Finnish European, 0.0014%; no homozygotes.

Submissions (2):

Labcorp Genetics (formerly Invitae), Labcorp
Classification: Likely benign. Last evaluated: 2025-01-05. Review status: criteria provided, single submitter. Criteria: Invitae Variant Classification Sherloc (09022015). Collection method: clinical testing. Allele origin: germline.

PreventionGenetics, part of Exact Sciences
Classification: Likely benign for ANXA11-related condition. Last evaluated: 2024-08-27. Review status: no assertion criteria provided. Collection method: clinical testing. Allele origin: germline. Not counted in ClinVar's aggregate classification.
Comment: This variant is classified as likely benign based on ACMG/AMP sequence variant interpretation guidelines (Richards et al. 2015 PMID: 25741868, with internal and published modifications).

NM_145868.2(ANXA11):c.123C>T (p.Asn41=)

Gene: ANXA11 (annexin A11; minus strand). Cytogenetic location: 10q22.3.
Variant type: single nucleotide variant.
Coding change: c.123C>T on transcript NM_145868.2 (MANE Select); coding-DNA position 123, C replaced by T.
Protein change: p.Asn41=; no amino-acid change (asparagine 41 retained).
Molecular consequence: synonymous variant.
Genome position (GRCh38, 1-based): chr10:80,170,848, G>A on the plus strand (C>T on the coding strand, the complement: ANXA11 is on the minus strand). VCF-style: chr10-80170848-G-A. GRCh37 (hg19) VCF-style: chr10-81930604-G-A.
Other names: c.123C>T, p.Asn41= (NM_001157.3, NM_001278407.2, NM_001278408.2 and 1 more transcripts); c.24C>T, p.Asn8= (NM_001278409.2); c.123C>T (NM_145869.1).
Identifiers: ClinVar variation 2067012 (VCV002067012.5), dbSNP rs1802935, ClinGen allele CA210334033.